The following is an entry in ClinVar:

ClinVar aggregate classification (germline): Uncertain significance (1 of 4 stars; one submission).

Conditions:
Noonan syndrome 8 (NS8). Identifiers: Orphanet 648, MedGen C3809233, MONDO:0014143, OMIM 615355.

Allele frequency attached by ClinVar (database versions not stated): gnomAD exomes below 0.00001.

Submission:

Labcorp Genetics (formerly Invitae), Labcorp
Classification: Uncertain significance for Noonan syndrome 8. Last evaluated: 2023-11-01. Review status: criteria provided, single submitter. Criteria: Invitae Variant Classification Sherloc (09022015). Collection method: clinical testing. Allele origin: germline.
Comment: This sequence change replaces serine, which is neutral and polar, with asparagine, which is neutral and polar, at codon 157 of the RIT1 protein (p.Ser157Asn). This variant is not present in population databases (gnomAD no frequency). This variant has not been reported in the literature in individuals affected with RIT1-related conditions. Advanced modeling of protein sequence and biophysical properties (such as structural, functional, and spatial information, amino acid conservation, physicochemical variation, residue mobility, and thermodynamic stability) performed at Invitae indicates that this missense variant is not expected to disrupt RIT1 protein function with a negative predictive value of 95%. In summary, the available evidence is currently insufficient to determine the role of this variant in disease. Therefore, it has been classified as a Variant of Uncertain Significance.

NM_006912.6(RIT1):c.470G>A (p.Ser157Asn)

Gene: RIT1 (Ras like without CAAX 1; minus strand). Cytogenetic location: 1q22.
Variant type: single nucleotide variant.
Coding change: c.470G>A on transcript NM_006912.6 (MANE Select); coding-DNA position 470, G replaced by A.
Protein change: p.Ser157Asn; replaces serine 157 with asparagine.
Molecular consequence: missense variant.
Genome position (GRCh38, 1-based): chr1:155,900,578, C>T on the plus strand (G>A on the coding strand, the complement: RIT1 is on the minus strand). VCF-style: chr1-155900578-C-T. GRCh37 (hg19) VCF-style: chr1-155870369-C-T.
Other names: c.362G>A, p.Ser121Asn (NM_001256820.2); c.521G>A, p.Ser174Asn (NM_001256821.2); short protein forms S157N, S121N, S174N.
Identifiers: ClinVar variation 2773163 (VCV002773163.3), dbSNP rs2527171591, ClinGen allele CA342801545.